The following is an entry in ClinVar:

ClinVar aggregate classification (germline): Uncertain significance. Review status: criteria provided, multiple submitters, no conflicts (2 of 4 stars). 7 submissions from 7 submitters: Uncertain significance (7). Last evaluated 2025-08-05.

Conditions:
Potassium-aggravated myotonia. Also called: Myotonia congenita, atypical, acetazolamide-responsive; MYOTONIA CONGENITA, ACETAZOLAMIDE-RESPONSIVE; MYOTONIA CONGENITA, ATYPICAL; SODIUM CHANNEL MUSCLE DISEASE. Identifiers: Orphanet 612, Orphanet 99734, Orphanet 99735, Orphanet 99736, MedGen C2931826, MONDO:0018959, OMIM 608390.
Congenital myasthenic syndrome 16. Identifiers: Orphanet 590, MedGen C3280112, MONDO:0013620, OMIM 614198.
Paramyotonia congenita of Von Eulenburg. Also called: Paramyotonia Congenita; PARALYSIS PERIODICA PARAMYOTONICA; Eulenburg disease; Myotonia congenita intermittens; Von Eulenburg paramyotonia congenita. Identifiers: Orphanet 684, MedGen C0221055, MONDO:0008195, OMIM 168300. Disease mechanism: loss of function.
Hypokalemic periodic paralysis, type 2 (HOKPP2). Identifiers: Orphanet 681, MedGen C2750061, MONDO:0013234, OMIM 613345.
Hypokalemic periodic paralysis, type 1. Also called: Hypokalemic Periodic Paralysis Type 1 (AD); HypoPP. Identifiers: Orphanet 681, MedGen C3714580, MONDO:0042979, OMIM 170400.
Hyperkalemic periodic paralysis. Also called: Familial hyperkalemic periodic paralysis; Gamstorp disease. Identifiers: Orphanet 682, MedGen C0238357, MONDO:0008224, OMIM 170500, HP:0007215.

Allele frequency attached by ClinVar (database versions not stated): gnomAD 0.00002; gnomAD exomes 0.00002 and 0.00004; TOPMed 0.00002; ExAC 0.00003.
gnomAD v4.1: 60 of 1,613,940 alleles (0.0037%); highest among the groups gnomAD compares: Middle Eastern, 0.016%; no homozygotes.

Submissions (7):

GeneDx
Classification: Uncertain significance. Last evaluated: 2025-08-05. Review status: criteria provided, single submitter. Criteria: GeneDx Variant Classification Process June 2021. Collection method: clinical testing. Allele origin: germline. Affected: yes.
Comment: Reported previously in a patient from the UK National Channelopathy database who reportedly also harbored a CLCN1 variant; however, no specific clinical or segregation information was provided (PMID: 36796140); Not observed at significant frequency in large population cohorts (gnomAD); In silico analysis supports that this missense variant has a deleterious effect on protein structure/function; This variant is associated with the following publications: (PMID: 36796140)

Labcorp Genetics (formerly Invitae), Labcorp
Classification: Uncertain significance for Hyperkalemic periodic paralysis. Last evaluated: 2025-02-23. Review status: criteria provided, single submitter. Criteria: Invitae Variant Classification Sherloc (09022015). Collection method: clinical testing. Allele origin: germline.
Comment: This sequence change replaces glutamic acid, which is acidic and polar, with lysine, which is basic and polar, at codon 460 of the SCN4A protein (p.Glu460Lys). This variant is present in population databases (rs540596321, gnomAD 0.003%). This missense change has been observed in individual(s) with clinical features of SCN4A-related conditions (PMID: 36796140). ClinVar contains an entry for this variant (Variation ID: 994951). Invitae Evidence Modeling of protein sequence and biophysical properties (such as structural, functional, and spatial information, amino acid conservation, physicochemical variation, residue mobility, and thermodynamic stability) has been performed for this missense variant. However, the output from this modeling did not meet the statistical confidence thresholds required to predict the impact of this variant on SCN4A protein function. In summary, the available evidence is currently insufficient to determine the role of this variant in disease. Therefore, it has been classified as a Variant of Uncertain Significance.

Revvity Omics, Revvity
Classification: Uncertain significance. Last evaluated: 2024-11-12. Review status: criteria provided, single submitter. Criteria: ACMG Guidelines, 2015. Collection method: clinical testing. Allele origin: germline.

Mayo Clinic Laboratories, Mayo Clinic
Classification: Uncertain significance. Last evaluated: 2024-08-09. Review status: criteria provided, single submitter. Criteria: ACMG Guidelines, 2015. Collection method: clinical testing. Allele origin: germline. Observed: 2 variant alleles.
Comment: PP3

Women's Health and Genetics/Laboratory Corporation of America, LabCorp
Classification: Uncertain significance. Last evaluated: 2023-12-15. Review status: criteria provided, single submitter. Criteria: LabCorp Variant Classification Summary - May 2015. Collection method: clinical testing. Allele origin: germline.
Comment: Variant summary: SCN4A c.1378G>A (p.Glu460Lys) results in a conservative amino acid change in the encoded protein sequence. Four of five in-silico tools predict a damaging effect of the variant on protein function. The variant allele was found at a frequency of 3.7e-05 in 1613940 control chromosomes (gnomAD v4). c.1378G>A has been reported in the literature in unspecified individuals affected with neurological disorders, details of the condition however was not provided (example, Vivekanandam_2023). These report(s) do not provide unequivocal conclusions about association of the variant with Acetazolamide-Responsive Myotonia. To our knowledge, no experimental evidence demonstrating an impact on protein function has been reported. The following publication have been ascertained in the context of this evaluation (PMID: 36796140). Four submitters have cited clinical-significance assessments for this variant to ClinVar after 2014. All submitters classified the variant as uncertain significance. Based on the evidence outlined above, the variant was classified as uncertain significance.

Fulgent Genetics
Classification: Uncertain significance for Paramyotonia congenita of Von Eulenburg; Hypokalemic periodic paralysis, type 1; Hyperkalemic periodic paralysis; Potassium-aggravated myotonia; Hypokalemic periodic paralysis, type 2; Congenital myasthenic syndrome 16. Last evaluated: 2022-02-03. Review status: criteria provided, single submitter. Criteria: ACMG Guidelines, 2015. Collection method: clinical testing. Allele origin: unknown.

Athena Diagnostics
Classification: Uncertain significance. Last evaluated: 2019-11-04. Review status: criteria provided, single submitter. Criteria: Athena Diagnostics Criteria. Collection method: clinical testing. Allele origin: unknown.

Literature cited by the submitters: PubMed 36796140 (cited by 3 submitters).

NM_000334.4(SCN4A):c.1378G>A (p.Glu460Lys)

Gene: SCN4A (sodium voltage-gated channel alpha subunit 4; minus strand). Cytogenetic location: 17q23.3.
Variant type: single nucleotide variant.
Coding change: c.1378G>A on transcript NM_000334.4 (MANE Select); coding-DNA position 1378, G replaced by A.
Protein change: p.Glu460Lys; replaces glutamic acid 460 with lysine.
Molecular consequence: missense variant.
Genome position (GRCh38, 1-based): chr17:63,964,542, C>T on the plus strand (G>A on the coding strand, the complement: SCN4A is on the minus strand). VCF-style: chr17-63964542-C-T. GRCh37 (hg19) VCF-style: chr17-62041902-C-T.
Other names: p.Glu460Lys; short protein forms E460K.
Identifiers: ClinVar variation 994951 (VCV000994951.11), dbSNP rs540596321, ClinGen allele CA8709855.